The following is an entry in ClinVar:

NM_199420.4(POLQ):c.6026T>G (p.Val2009Gly)

Gene: POLQ (DNA polymerase theta; minus strand). Cytogenetic location: 3q13.33.
Variant type: single nucleotide variant.
Coding change: c.6026T>G on transcript NM_199420.4 (MANE Select); coding-DNA position 6026, T replaced by G.
Protein change: p.Val2009Gly; replaces valine 2009 with glycine.
Molecular consequence: missense variant.
Genome position (GRCh38, 1-based): chr3:121,481,757, A>C on the plus strand (T>G on the coding strand, the complement: POLQ is on the minus strand). VCF-style: chr3-121481757-A-C. GRCh37 (hg19) VCF-style: chr3-121200604-A-C.
Other names: short protein forms V2009G.
Identifiers: ClinVar variation 1751151 (VCV001751151.3), dbSNP rs2546780476, ClinGen allele CA354088147.

ClinVar aggregate classification (germline): Uncertain significance (1 of 4 stars; one submission).

Submission:

Ambry Genetics
Classification: Uncertain significance. Last evaluated: 2024-06-04. Review status: criteria provided, single submitter. Criteria: Ambry Variant Classification Scheme 2023. Collection method: clinical testing. Allele origin: germline.
Comment: The p.V2009G variant (also known as c.6026T>G), located in coding exon 19 of the POLQ gene, results from a T to G substitution at nucleotide position 6026. The valine at codon 2009 is replaced by glycine, an amino acid with dissimilar properties. This amino acid position is conserved. In addition, the in silico prediction for this alteration is inconclusive. Since supporting evidence is limited at this time, the clinical significance of this alteration remains unclear.